The following is an entry in ClinVar:

NM_182493.3(MYLK3):c.2144A>G (p.Glu715Gly)

Gene: MYLK3 (myosin light chain kinase 3; minus strand). Cytogenetic location: 16q11.2.
Variant type: single nucleotide variant.
Coding change: c.2144A>G on transcript NM_182493.3 (MANE Select); coding-DNA position 2144, A replaced by G.
Protein change: p.Glu715Gly; replaces glutamic acid 715 with glycine.
Molecular consequence: missense variant.
Genome position (GRCh38, 1-based): chr16:46,710,760, T>C on the plus strand (A>G on the coding strand, the complement: MYLK3 is on the minus strand). VCF-style: chr16-46710760-T-C. GRCh37 (hg19) VCF-style: chr16-46744672-T-C.
Other names: c.1121A>G, p.Glu374Gly (NM_001308301.1); short protein forms E374G, E715G.
Identifiers: ClinVar variation 1399077 (VCV001399077.9), dbSNP rs766320293, ClinGen allele CA8037672.

ClinVar aggregate classification (germline): Uncertain significance (1 of 4 stars; one submission).

Allele frequency attached by ClinVar (database versions not stated): gnomAD 0.00002; ExAC 0.00570.

Submission:

Labcorp Genetics (formerly Invitae), Labcorp
Classification: Uncertain significance. Last evaluated: 2025-12-10. Review status: criteria provided, single submitter. Criteria: Invitae Variant Classification Sherloc (09022015). Collection method: clinical testing. Allele origin: germline.
Comment: This sequence change replaces glutamic acid, which is acidic and polar, with glycine, which is neutral and non-polar, at codon 715 of the MYLK3 protein (p.Glu715Gly). The frequency data for this variant in the population databases is considered unreliable, as metrics indicate poor data quality at this position in the gnomAD database. This variant has not been reported in the literature in individuals affected with MYLK3-related conditions. ClinVar contains an entry for this variant (Variation ID: 1399077). An algorithm developed to predict the effect of missense changes on protein structure and function (PolyPhen-2) suggests that this variant is likely to be disruptive. In summary, the available evidence is currently insufficient to determine the role of this variant in disease. Therefore, it has been classified as a Variant of Uncertain Significance.